The following is an entry in ClinVar:

ClinVar aggregate classification (germline): Uncertain significance (1 of 4 stars; one submission).

gnomAD v4.1: 24 of 1,607,722 alleles (0.0015%); highest among the groups gnomAD compares: South Asian, 0.025%; no homozygotes.

Submission:

Labcorp Genetics (formerly Invitae), Labcorp
Classification: Uncertain significance. Last evaluated: 2024-09-19. Review status: criteria provided, single submitter. Criteria: Invitae Variant Classification Sherloc (09022015). Collection method: clinical testing. Allele origin: germline.
Comment: This sequence change replaces glutamine, which is neutral and polar, with histidine, which is basic and polar, at codon 699 of the COL11A1 protein (p.Gln699His). This variant also falls at the last nucleotide of exon 23, which is part of the consensus splice site for this exon. This variant is present in population databases (rs775800593, gnomAD 0.03%). This variant has not been reported in the literature in individuals affected with COL11A1-related conditions. ClinVar contains an entry for this variant (Variation ID: 1514310). Experimental studies and prediction algorithms are not available or were not evaluated, and the functional significance of this variant is currently unknown. Variants that disrupt the consensus splice site are a relatively common cause of aberrant splicing (PMID: 17576681, 9536098). In summary, the available evidence is currently insufficient to determine the role of this variant in disease. Therefore, it has been classified as a Variant of Uncertain Significance.

Literature cited by the submitters: PubMed 17576681; PubMed 9536098.

NM_001854.4(COL11A1):c.2097G>C (p.Gln699His)

Gene: COL11A1 (collagen type XI alpha 1 chain; minus strand). Cytogenetic location: 1p21.1.
Variant type: single nucleotide variant.
Coding change: c.2097G>C on transcript NM_001854.4 (MANE Select); coding-DNA position 2097, G replaced by C.
Protein change: p.Gln699His; replaces glutamine 699 with histidine.
Molecular consequence: missense variant. On other transcripts: non-coding transcript variant (1).
Genome position (GRCh38, 1-based): chr1:103,002,428, C>G on the plus strand (G>C on the coding strand, the complement: COL11A1 is on the minus strand). VCF-style: chr1-103002428-C-G. GRCh37 (hg19) VCF-style: chr1-103467984-C-G.
Other names: c.1980G>C, p.Gln660His (NM_001190709.2); c.2133G>C, p.Gln711His (NM_080629.3); c.1749G>C, p.Gln583His (NM_080630.4); short protein forms Q583H, Q660H, Q699H, Q711H.
Identifiers: ClinVar variation 1514310 (VCV001514310.8), dbSNP rs775800593, ClinGen allele CA974628.